The following is an entry in ClinVar:

ClinVar aggregate classification (germline): Uncertain significance (1 of 4 stars; one submission).

Conditions:
Epileptic encephalopathy. Identifiers: MedGen C0543888, HP:0200134.

Allele frequency attached by ClinVar (database versions not stated): TOPMed below 0.00001.

Submission:

Labcorp Genetics (formerly Invitae), Labcorp
Classification: Uncertain significance for Epileptic encephalopathy. Last evaluated: 2023-11-25. Review status: criteria provided, single submitter. Criteria: Invitae Variant Classification Sherloc (09022015). Collection method: clinical testing. Allele origin: germline.
Comment: This sequence change replaces proline, which is neutral and non-polar, with serine, which is neutral and polar, at codon 1556 of the FASN protein (p.Pro1556Ser). This variant is not present in population databases (gnomAD no frequency). This variant has not been reported in the literature in individuals affected with FASN-related conditions. Algorithms developed to predict the effect of missense changes on protein structure and function output the following: SIFT: "Not Available"; PolyPhen-2: "Benign"; Align-GVGD: "Not Available". The serine amino acid residue is found in multiple mammalian species, which suggests that this missense change does not adversely affect protein function. In summary, the available evidence is currently insufficient to determine the role of this variant in disease. Therefore, it has been classified as a Variant of Uncertain Significance.

NM_004104.5(FASN):c.4666C>T (p.Pro1556Ser)

Gene: FASN (fatty acid synthase; minus strand). Cytogenetic location: 17q25.3.
Variant type: single nucleotide variant.
Coding change: c.4666C>T on transcript NM_004104.5 (MANE Select); coding-DNA position 4666, C replaced by T.
Protein change: p.Pro1556Ser; replaces proline 1556 with serine.
Molecular consequence: missense variant.
Genome position (GRCh38, 1-based): chr17:82,084,615, G>A on the plus strand (C>T on the coding strand, the complement: FASN is on the minus strand). VCF-style: chr17-82084615-G-A. GRCh37 (hg19) VCF-style: chr17-80042491-G-A.
Other names: short protein forms P1556S.
Identifiers: ClinVar variation 2849310 (VCV002849310.3), dbSNP rs1405880332, ClinGen allele CA401545088.